The following is an entry in ClinVar:

ClinVar aggregate classification (germline): Benign (1 of 4 stars; one submission).

Allele frequency attached by ClinVar (database versions not stated): gnomAD exomes 0.00206; gnomAD 0.01546 and 0.01672; 1000 Genomes Project 0.01558; 1000 Genomes Project 30x 0.01749; TOPMed 0.01811.
gnomAD v4.1: 3,327 of 595,104 alleles (0.56%); highest among the groups gnomAD compares: African/African-American, 5.2%; 76 homozygotes.

Submission:

GeneDx
Classification: Benign. Last evaluated: 2018-06-19. Review status: criteria provided, single submitter. Criteria: GeneDx Variant Classification (06012015). Collection method: clinical testing. Allele origin: germline. Affected: yes.
Comment: This variant is considered likely benign or benign based on one or more of the following criteria: it is a conservative change, it occurs at a poorly conserved position in the protein, it is predicted to be benign by multiple in silico algorithms, and/or has population frequency not consistent with disease.

NM_001171155.2(PET100):c.28-193G>C

Genes: PET100 (PET100 cytochrome c oxidase chaperone; plus strand), STXBP2 (syntaxin binding protein 2; plus strand). Cytogenetic location: 19p13.2.
Variant type: single nucleotide variant.
Coding change: c.28-193G>C on transcript NM_001171155.2 (MANE Select); 193 bases into the intron before coding-DNA position 28, G replaced by C.
Molecular consequence: intron variant.
Genome position (GRCh38, 1-based): chr19:7,630,380, G>C. VCF-style: chr19-7630380-G-C. GRCh37 (hg19) VCF-style: chr19-7695266-G-C.
Identifiers: ClinVar variation 674145 (VCV000674145.1), dbSNP rs115357079, ClinGen allele CA304898454.